The following is an entry in ClinVar:

ClinVar aggregate classification (germline): Uncertain significance (1 of 4 stars; one submission).

Conditions:
Spermatogenic failure 18. Identifiers: MedGen C4539783, MONDO:0054615, OMIM 617576.
Ciliary dyskinesia, primary, 37 (CILD37). Also called: CILIARY DYSKINESIA, PRIMARY, 37, WITH OR WITHOUT SITUS INVERSUS. Identifiers: MedGen C4539798, MONDO:0033204, OMIM 617577.

Allele frequency attached by ClinVar (database versions not stated): gnomAD 0.00001; gnomAD exomes 0.00001; TOPMed 0.00002.
gnomAD v4.1: 15 of 1,614,036 alleles (0.00093%); highest among the groups gnomAD compares: Middle Eastern, 0.016%; no homozygotes.

Submission:

Labcorp Genetics (formerly Invitae), Labcorp
Classification: Uncertain significance for Ciliary dyskinesia, primary, 37; Spermatogenic failure 18. Last evaluated: 2017-08-03. Review status: criteria provided, single submitter. Criteria: Invitae Variant Classification Sherloc (09022015). Collection method: clinical testing. Allele origin: germline.
Comment: This sequence change replaces proline with leucine at codon 3563 of the DNAH1 protein (p.Pro3563Leu). The proline residue is moderately conserved and there is a moderate physicochemical difference between proline and leucine. This variant is not present in population databases (ExAC no frequency). This variant has not been reported in the literature in individuals with DNAH1-related disease. Algorithms developed to predict the effect of missense changes on protein structure and function output the following: SIFT: "Tolerated"; PolyPhen-2: "Benign"; Align-GVGD: "Class C0". The leucine amino acid residue is found in multiple mammalian species, suggesting that this missense change does not adversely affect protein function. These predictions have not been confirmed by published functional studies and their clinical significance is uncertain. In summary, the available evidence is currently insufficient to determine the role of this variant in disease. Therefore, it has been classified as a Variant of Uncertain Significance.

NM_015512.5(DNAH1):c.10688C>T (p.Pro3563Leu)

Gene: DNAH1 (dynein axonemal heavy chain 1; plus strand). Cytogenetic location: 3p21.1.
Variant type: single nucleotide variant.
Coding change: c.10688C>T on transcript NM_015512.5 (MANE Select); coding-DNA position 10688, C replaced by T.
Protein change: p.Pro3563Leu; replaces proline 3563 with leucine.
Molecular consequence: missense variant.
Genome position (GRCh38, 1-based): chr3:52,394,526, C>T. VCF-style: chr3-52394526-C-T. GRCh37 (hg19) VCF-style: chr3-52428542-C-T.
Other names: short protein forms P3563L.
Identifiers: ClinVar variation 478387 (VCV000478387.1), dbSNP rs866647249, ClinGen allele CA74784895.
Genomic context (GRCh38, chr3:52,394,526, plus strand): 5'-GTGAGTGGCGATACCTCCTGTCTGGGGGCTCCATCTCGATCATGACTGAGAATCCGGCAC[C>T]GGACTGGCTGTCAGACCGGGCTTGGCGAGACATCCTAGCACTCTCGAACCTGCCAACCTT-3'
Protein context (NP_056327.4, residues 3553-3573): SISIMTENPA[Pro3563Leu]DWLSDRAWRD